The following is an entry in ClinVar:

ClinVar aggregate classification (germline): Uncertain significance (1 of 4 stars; one submission).

Conditions:
Perlman syndrome (PRLMNS). Identifiers: Orphanet 2849, MedGen C0796113, MONDO:0009965, OMIM 267000.

Allele frequency attached by ClinVar (database versions not stated): gnomAD exomes below 0.00001; gnomAD 0.00001.
gnomAD v4.1: 13 of 1,613,644 alleles (0.00081%); highest among the groups gnomAD compares: East Asian, 0.0022%; no homozygotes.

Submission:

Labcorp Genetics (formerly Invitae), Labcorp
Classification: Uncertain significance for Perlman syndrome. Last evaluated: 2023-10-19. Review status: criteria provided, single submitter. Criteria: Invitae Variant Classification Sherloc (09022015). Collection method: clinical testing. Allele origin: germline.
Comment: This sequence change replaces arginine, which is basic and polar, with glutamine, which is neutral and polar, at codon 292 of the DIS3L2 protein (p.Arg292Gln). This variant is present in population databases (rs768117442, gnomAD 0.0009%). This variant has not been reported in the literature in individuals affected with DIS3L2-related conditions. ClinVar contains an entry for this variant (Variation ID: 999584). An algorithm developed to predict the effect of missense changes on protein structure and function (PolyPhen-2) suggests that this variant is likely to be tolerated. In summary, the available evidence is currently insufficient to determine the role of this variant in disease. Therefore, it has been classified as a Variant of Uncertain Significance.

NM_152383.5(DIS3L2):c.875G>A (p.Arg292Gln)

Gene: DIS3L2 (DIS3 like 3'-5' exoribonuclease 2; plus strand). Cytogenetic location: 2q37.1.
Variant type: single nucleotide variant.
Coding change: c.875G>A on transcript NM_152383.5 (MANE Select); coding-DNA position 875, G replaced by A.
Protein change: p.Arg292Gln; replaces arginine 292 with glutamine.
Molecular consequence: missense variant. On other transcripts: non-coding transcript variant (1).
Genome position (GRCh38, 1-based): chr2:232,136,644, G>A. VCF-style: chr2-232136644-G-A. GRCh37 (hg19) VCF-style: chr2-233001354-G-A.
Other names: c.875G>A, p.Arg292Gln (NM_001257281.2); short protein forms R292Q.
Identifiers: ClinVar variation 999584 (VCV000999584.10), dbSNP rs768117442, ClinGen allele CA67512075.